The following is an entry in ClinVar:

NM_003119.4(SPG7):c.1890G>A (p.Leu630=)

Gene: SPG7 (SPG7 matrix AAA peptidase subunit, paraplegin; plus strand). Cytogenetic location: 16q24.3.
Variant type: single nucleotide variant.
Coding change: c.1890G>A on transcript NM_003119.4 (MANE Select); coding-DNA position 1890, G replaced by A.
Protein change: p.Leu630=; no amino-acid change (leucine 630 retained).
Molecular consequence: synonymous variant.
Genome position (GRCh38, 1-based): chr16:89,553,089, G>A. VCF-style: chr16-89553089-G-A. GRCh37 (hg19) VCF-style: chr16-89619497-G-A.
Other names: c.1890G>A, p.Leu630= (NM_001363850.1).
Identifiers: ClinVar variation 385499 (VCV000385499.1), dbSNP rs767213993, ClinGen allele CA16607549.

ClinVar aggregate classification (germline): Likely benign (1 of 4 stars; one submission).

gnomAD v4.1: 1 of 1,613,414 alleles (0.000062%); highest among the groups gnomAD compares: South Asian, 0.0011%; no homozygotes.

Submission:

GeneDx
Classification: Likely benign. Last evaluated: 2016-04-22. Review status: criteria provided, single submitter. Criteria: GeneDx Variant Classification (06012015). Collection method: clinical testing. Allele origin: germline. Affected: yes.
Comment: This variant is considered likely benign or benign based on one or more of the following criteria: it is a conservative change, it occurs at a poorly conserved position in the protein, it is predicted to be benign by multiple in silico algorithms, and/or has population frequency not consistent with disease.